The following is an entry in ClinVar:

NM_020778.5(ALPK3):c.505G>C (p.Val169Leu)

Gene: ALPK3 (alpha kinase 3; plus strand). Cytogenetic location: 15q25.3.
Variant type: single nucleotide variant.
Coding change: c.505G>C on transcript NM_020778.5 (MANE Select); coding-DNA position 505, G replaced by C.
Protein change: p.Val169Leu; replaces valine 169 with leucine.
Molecular consequence: missense variant.
Genome position (GRCh38, 1-based): chr15:84,839,784, G>C. VCF-style: chr15-84839784-G-C. GRCh37 (hg19) VCF-style: chr15-85383015-G-C.
Other names: short protein forms V169L.
Identifiers: ClinVar variation 2317961 (VCV002317961.4), dbSNP rs1963635599, ClinGen allele CA393372671.

ClinVar aggregate classification (germline): Uncertain significance. Review status: criteria provided, multiple submitters, no conflicts (2 of 4 stars). 2 submissions from 2 submitters: Uncertain significance (2). Last evaluated 2025-06-07.

Conditions:
Cardiovascular phenotype. Identifiers: MedGen CN230736.

Submissions (2):

Labcorp Genetics (formerly Invitae), Labcorp
Classification: Uncertain significance. Last evaluated: 2025-06-07. Review status: criteria provided, single submitter. Criteria: Invitae Variant Classification Sherloc (09022015). Collection method: clinical testing. Allele origin: germline.
Comment: This sequence change replaces valine, which is neutral and non-polar, with leucine, which is neutral and non-polar, at codon 371 of the ALPK3 protein (p.Val371Leu). This variant is not present in population databases (gnomAD no frequency). This variant has not been reported in the literature in individuals affected with ALPK3-related conditions. ClinVar contains an entry for this variant (Variation ID: 2317961). An algorithm developed to predict the effect of missense changes on protein structure and function (PolyPhen-2) suggests that this variant is likely to be disruptive. In summary, the available evidence is currently insufficient to determine the role of this variant in disease. Therefore, it has been classified as a Variant of Uncertain Significance.

Ambry Genetics
Classification: Uncertain significance for Cardiovascular phenotype. Last evaluated: 2022-10-12. Review status: criteria provided, single submitter. Criteria: Ambry Variant Classification Scheme 2023. Collection method: clinical testing. Allele origin: germline.